The following is an entry in ClinVar:

NM_001267550.2(TTN):c.19101G>T (p.Lys6367Asn)

Gene: TTN (titin; minus strand). Cytogenetic location: 2q31.2.
Variant type: single nucleotide variant.
Coding change: c.19101G>T on transcript NM_001267550.2 (MANE Select); coding-DNA position 19101, G replaced by T.
Protein change: p.Lys6367Asn; replaces lysine 6367 with asparagine.
Molecular consequence: missense variant. On other transcripts: intron variant (3).
Genome position (GRCh38, 1-based): chr2:178,728,937, C>A on the plus strand (G>T on the coding strand, the complement: TTN is on the minus strand). VCF-style: chr2-178728937-C-A. GRCh37 (hg19) VCF-style: chr2-179593664-C-A.
Other names: c.18150G>T, p.Lys6050Asn (NM_001256850.1); c.15369G>T, p.Lys5123Asn (NM_133378.4); c.13282+9145G>T (NM_003319.4); c.13858+9145G>T (NM_133437.4); c.13657+9145G>T (NM_133432.3); short protein forms K5123N, K6050N, K6367N.
Identifiers: ClinVar variation 2438293 (VCV002438293.4), dbSNP rs769617600, ClinGen allele CA2001476.

ClinVar aggregate classification (germline): Conflicting classifications of pathogenicity. Review status: criteria provided, conflicting classifications (1 of 4 stars). 2 submissions from 2 submitters: Uncertain significance (1); Likely benign (1). Last evaluated 2025-07-24.

Allele frequency attached by ClinVar (database versions not stated): TOPMed below 0.00001.
gnomAD v4.1: 19 of 1,611,700 alleles (0.0012%); highest among the groups gnomAD compares: Admixed American, 0.0017%; no homozygotes.

Submissions (2):

Molecular Diagnostic Laboratory for Inherited Cardiovascular Disease, Montreal Heart Institute
Classification: Likely benign. Last evaluated: 2025-07-24. Review status: criteria provided, single submitter. Criteria: ACMG Guidelines, 2015. Collection method: clinical testing. Allele origin: germline. Affected: no.
Comment: BP1

Revvity Omics, Revvity
Classification: Uncertain significance. Last evaluated: 2020-03-19. Review status: criteria provided, single submitter. Criteria: ACMG Guidelines, 2015. Collection method: clinical testing. Allele origin: germline.